The following is an entry in ClinVar:

ClinVar aggregate classification (germline): Uncertain significance (1 of 4 stars; one submission).

Conditions:
Intellectual disability, CASK-related, X-linked. Identifiers: MedGen CN043158.

Allele frequency attached by ClinVar (database versions not stated): gnomAD exomes below 0.00001.
gnomAD v4.1: 1 of 1,198,878 alleles (0.000083%); highest among the groups gnomAD compares: Admixed American, 0.0022%; no homozygotes.

Submission:

Labcorp Genetics (formerly Invitae), Labcorp
Classification: Uncertain significance for Intellectual disability, CASK-related, X-linked. Last evaluated: 2023-11-24. Review status: criteria provided, single submitter. Criteria: Invitae Variant Classification Sherloc (09022015). Collection method: clinical testing. Allele origin: germline.
Comment: This sequence change replaces glutamic acid, which is acidic and polar, with aspartic acid, which is acidic and polar, at codon 725 of the CASK protein (p.Glu725Asp). The frequency data for this variant in the population databases is considered unreliable, as metrics indicate poor data quality at this position in the gnomAD database. This variant has not been reported in the literature in individuals affected with CASK-related conditions. Advanced modeling of protein sequence and biophysical properties (such as structural, functional, and spatial information, amino acid conservation, physicochemical variation, residue mobility, and thermodynamic stability) has been performed at Invitae for this missense variant, however the output from this modeling did not meet the statistical confidence thresholds required to predict the impact of this variant on CASK protein function. In summary, the available evidence is currently insufficient to determine the role of this variant in disease. Therefore, it has been classified as a Variant of Uncertain Significance.

NM_001367721.1(CASK):c.2190A>C (p.Glu730Asp)

Gene: CASK (calcium/calmodulin dependent serine protein kinase; minus strand). Cytogenetic location: Xp11.4.
Variant type: single nucleotide variant.
Coding change: c.2190A>C on transcript NM_001367721.1 (MANE Select); coding-DNA position 2190, A replaced by C.
Protein change: p.Glu730Asp; replaces glutamic acid 730 with aspartic acid.
Molecular consequence: missense variant.
Genome position (GRCh38, 1-based): chrX:41,534,939, T>G on the plus strand (A>C on the coding strand, the complement: CASK is on the minus strand). VCF-style: chrX-41534939-T-G. GRCh37 (hg19) VCF-style: chrX-41394192-T-G.
Other names: c.2106A>C, p.Glu702Asp (NM_001126054.3); c.2103A>C, p.Glu701Asp (NM_001126055.3); c.2172A>C, p.Glu724Asp (NM_001410745.1); c.2175A>C, p.Glu725Asp (NM_003688.4); short protein forms E702D, E724D, E730D, E725D, E701D.
Identifiers: ClinVar variation 2698256 (VCV002698256.3), dbSNP rs1348312848, ClinGen allele CA412991880.
Genomic context (GRCh38, chrX:41,534,939, plus strand): 5'-ACAATCAAACTTACCTAATAAGACTAGTGTTTTCCTCTTGAATGCTGGCAGTTTTACTAC[T>G]TCTTCATATGTGACAAGATCTAATTGATCAAACACTAAAACGCAAAGATTTAGAAGAAAG-3'
Protein context (NP_001354650.1, residues 720-740): FDQLDLVTYE[Glu730Asp]VVKLPAFKRK